The following is an entry in ClinVar:

NM_006662.3(SRCAP):c.4753_4761del (p.Thr1585_Leu1587del)

Gene: SRCAP (Snf2 related CREBBP activator protein; plus strand). Cytogenetic location: 16p11.2.
Variant type: Deletion.
Coding change: c.4753_4761del on transcript NM_006662.3 (MANE Select); coding-DNA positions 4753 to 4761, 9 bases deleted (ACCCCTCTG; older notation c.4753_4761delACCCCTCTG).
Protein change: p.Thr1585_Leu1587del.
Molecular consequence: inframe deletion.
Genome position (GRCh38, 1-based): chr16:30,724,177-30,724,185, ACCCCTCTG deleted. VCF-style (leftmost placement, unchanged base first): chr16-30724176-CACCCCTCTG-C. GRCh37 (hg19) VCF-style: chr16-30735497-CACCCCTCTG-C.
Identifiers: ClinVar variation 4736476 (VCV004736476.1).
Genomic context (GRCh38, chr16:30,724,176, plus strand): 5'-TCCAGCTCCAGCTCAGGCTTCCCTTCTGGCTCCAGCATCTTCTGCATCTCAGGCTCTAGC[CACCCCTCTG>C]GCTCCTATGGCGGCTCCACAGACAGCAATTCTGGCTCCTTCTCCAGCTCCTCCTCTGGCT-3'

ClinVar aggregate classification (germline): Uncertain significance (1 of 4 stars; one submission).

Submission:

Labcorp Genetics (formerly Invitae), Labcorp
Classification: Uncertain significance. Last evaluated: 2026-01-29. Review status: criteria provided, single submitter. Criteria: Invitae Variant Classification Sherloc (09022015). Collection method: clinical testing. Allele origin: germline.
Comment: This variant, c.4753_4761del, results in the deletion of 3 amino acid(s) of the SRCAP protein (p.Thr1585_Leu1587del), but otherwise preserves the integrity of the reading frame. This variant is not present in population databases (gnomAD no frequency). This variant has not been reported in the literature in individuals affected with SRCAP-related conditions. Experimental studies and prediction algorithms are not available or were not evaluated, and the functional significance of this variant is currently unknown. In summary, the available evidence is currently insufficient to determine the role of this variant in disease. Therefore, it has been classified as a Variant of Uncertain Significance.